The following is an entry in ClinVar:

NM_133478.3(SLC4A5):c.2871C>T (p.Tyr957=)

Gene: SLC4A5 (solute carrier family 4 member 5; minus strand). Cytogenetic location: 2p13.1.
Variant type: single nucleotide variant.
Coding change: c.2871C>T on transcript NM_133478.3 (MANE Select); coding-DNA position 2871, C replaced by T.
Protein change: p.Tyr957=; no amino-acid change (tyrosine 957 retained).
Molecular consequence: synonymous variant.
Genome position (GRCh38, 1-based): chr2:74,227,855, G>A on the plus strand (C>T on the coding strand, the complement: SLC4A5 is on the minus strand). VCF-style: chr2-74227855-G-A. GRCh37 (hg19) VCF-style: chr2-74454982-G-A.
Other names: c.2523C>T, p.Tyr841= (NM_001386136.1); c.2871C>T, p.Tyr957= (NM_021196.3).
Identifiers: ClinVar variation 3048414 (VCV003048414.2), dbSNP rs147423956, ClinGen allele CA1720312.

ClinVar aggregate classification (germline): Likely benign (0 of 4 stars; one submission).

Conditions:
SLC4A5-related disorder. Also called: SLC4A5-related condition.

Allele frequency attached by ClinVar (database versions not stated): ExAC 0.00041; 1000 Genomes Project 30x 0.00078; 1000 Genomes Project 0.00080; gnomAD 0.00090; TOPMed 0.00113; ESP Exome Variant Server 0.00146.
gnomAD v4.1: 322 of 1,610,784 alleles (0.02%); highest among the groups gnomAD compares: African/African-American, 0.34%; no homozygotes.

Submission:

PreventionGenetics, part of Exact Sciences
Classification: Likely benign for SLC4A5-related condition. Last evaluated: 2019-12-12. Review status: no assertion criteria provided. Collection method: clinical testing. Allele origin: germline.
Comment: This variant is classified as likely benign based on ACMG/AMP sequence variant interpretation guidelines (Richards et al. 2015 PMID: 25741868, with internal and published modifications).